The following is an entry in ClinVar:

NM_000135.4(FANCA):c.1074_1075del (p.Tyr359fs)

Gene: FANCA (FA complementation group A; minus strand). Cytogenetic location: 16q24.3.
Variant type: Deletion.
Coding change: c.1074_1075del on transcript NM_000135.4 (MANE Select); coding-DNA positions 1074 to 1075, 2 bases deleted (GT; older notation c.1074_1075delGT).
Protein change: p.Tyr359fs; shifts the reading frame from tyrosine 359.
Molecular consequence: frameshift variant.
Genome position (GRCh38, 1-based): chr16:89,792,479-89,792,480, AC deleted on the plus strand (GT on the coding strand, the reverse complement: FANCA is on the minus strand); deleting any 2 consecutive bases within chr16:89,792,479-89,792,481 gives the same sequence; the c. name uses the placement nearest the transcript's 3' end. VCF-style (leftmost placement, unchanged base first): chr16-89792478-TAC-T. GRCh37 (hg19) VCF-style: chr16-89858886-TAC-T.
Other names: c.1074_1075del, p.Tyr359fs (NM_001286167.3); c.1074_1075del (NM_000135.3, LRG_495t1); c.1074_1075delGT (NM_000135.2); short protein forms Y359fs.
Identifiers: ClinVar variation 237032 (VCV000237032.22), dbSNP rs878853660, ClinGen allele CA10583440.

ClinVar aggregate classification (germline): Pathogenic/Likely pathogenic. Review status: criteria provided, multiple submitters, no conflicts (2 of 4 stars). 7 submissions from 7 submitters: Pathogenic (5); Likely pathogenic (1). 1 of the submissions does not count toward it. Last evaluated 2026-01-26.

Conditions:
Fanconi anemia (FA). Also called: Fanconi's anemia. Identifiers: Orphanet 84, MedGen C0015625, MeSH D005199, MONDO:0019391.
Fanconi anemia complementation group A (FANCA). Also called: FANCA-Related Fanconi Anemia; Fanconi anemia, group A. Identifiers: Orphanet 84, MedGen C3469521, MONDO:0009215, OMIM 227650.

Submissions (7):

Labcorp Genetics (formerly Invitae), Labcorp
Classification: Pathogenic for Fanconi anemia. Last evaluated: 2026-01-26. Review status: criteria provided, single submitter. Criteria: Invitae Variant Classification Sherloc (09022015). Collection method: clinical testing. Allele origin: germline.
Comment: This sequence change creates a premature translational stop signal (p.Tyr359Profs*49) in the FANCA gene. It is expected to result in an absent or disrupted protein product. Loss-of-function variants in FANCA are known to be pathogenic (PMID: 19367192). This variant is present in population databases (no rsID available, gnomAD 0.01%). This premature translational stop signal has been observed in individual(s) with FANCA-related conditions (internal data). In at least one individual the data is consistent with being in trans (on the opposite chromosome) from a pathogenic variant. ClinVar contains an entry for this variant (Variation ID: 237032). For these reasons, this variant has been classified as Pathogenic.

Baylor Genetics
Classification: Pathogenic for Fanconi anemia complementation group A. Last evaluated: 2024-02-27. Review status: criteria provided, single submitter. Criteria: ACMG Guidelines, 2015. Collection method: clinical testing. Allele origin: unknown.

Quest Diagnostics Nichols Institute San Juan Capistrano
Classification: Pathogenic. Last evaluated: 2024-02-15. Review status: criteria provided, single submitter. Criteria: Quest Diagnostics criteria. Collection method: clinical testing. Allele origin: unknown.
Comment: The FANCA c.1074_1075del (p.Tyr359Profs*49) variant alters the translational reading frame of the FANCA mRNA and causes the premature termination of FANCA protein synthesis. This variant has been reported in the published literature in individuals with ovarian cancer (PMID: 32546565 (2021)) and Fanconi Anemia (PMID: 35417938 (2023), 32487094 (2020), 29098742 (2018)). The frequency of this variant in the general population, 0.000032 (1/31392 chromosomes (Genome Aggregation Database)), is consistent with pathogenicity. Based on the available information, this variant is classified as pathogenic.

Women's Health and Genetics/Laboratory Corporation of America, LabCorp
Classification: Likely pathogenic for Fanconi anemia. Last evaluated: 2023-02-24. Review status: criteria provided, single submitter. Criteria: LabCorp Variant Classification Summary - May 2015. Collection method: clinical testing. Allele origin: germline.
Comment: Variant summary: FANCA c.1074_1075delGT (p.Tyr359ProfsX49) results in a premature termination codon, predicted to cause a truncation of the encoded protein or absence of the protein due to nonsense mediated decay, which are commonly known mechanisms for disease. Truncations downstream of this position have been classified as pathogenic by our laboratory. The variant was absent in 249030 control chromosomes (gnomAD). c.1074_1075delGT has been reported in the literature in individuals affected with Fanconi Anemia (example: Kimble_2018 and Nie_2020). These data indicate that the variant may be associated with disease. To our knowledge, no experimental evidence demonstrating an impact on protein function has been reported. Four clinical diagnostic laboratories have submitted clinical-significance assessments for this variant to ClinVar after 2014 and all classified the variant as pathogenic. Based on the evidence outlined above, the variant was classified as likely pathogenic.

Sema4
Classification: Pathogenic for Fanconi anemia. Last evaluated: 2021-08-11. Review status: criteria provided, single submitter. Criteria: Sema4 Curation Guidelines. Collection method: curation. Allele origin: germline.
Comment: The FANCA c.1074_1075delGT p.Y359PfsX49 variant has been reported as compound heterozygous in at least two individuals with Fanconi anemia (PMID: 29098742, 32487094). It has also been reported in heterozygosity in a patient with ovarian cancer (PMID: 32546565). This variant causes a frameshift at amino acid 359 that results in premature termination 49 amino acids downstream. This variant was observed in 1/8714 chromosomes in the African/African American population according to the Genome Aggregation Database (PMID: 32461654). This variant has been reported in ClinVar (Variation ID: 237032). Based on the current evidence available, this variant is interpreted as pathogenic.

Revvity Omics, Revvity
Classification: Pathogenic for Fanconi anemia complementation group A. Last evaluated: 2019-06-17. Review status: criteria provided, single submitter. Criteria: ACMG Guidelines, 2015. Collection method: clinical testing. Allele origin: germline.

Natera, Inc.
Classification: Pathogenic for Fanconi anemia. Last evaluated: 2021-06-03. Review status: no assertion criteria provided. Collection method: clinical testing. Allele origin: germline. Not counted in ClinVar's aggregate classification.

Literature cited by the submitters: PubMed 19367192 (cited by Labcorp Genetics (formerly Invitae), Labcorp); PubMed 35417938 (cited by Quest Diagnostics Nichols Institute San Juan Capistrano); PubMed 32487094 (cited by 3 submitters); PubMed 29098742 (cited by 3 submitters); PubMed 32546565 (cited by Quest Diagnostics Nichols Institute San Juan Capistrano and Sema4).